The following is an entry in ClinVar:

NM_000098.3(CPT2):c.257del (p.Ser86fs)

Gene: CPT2 (carnitine palmitoyltransferase 2; plus strand). Cytogenetic location: 1p32.3.
Variant type: Deletion.
Coding change: c.257del on transcript NM_000098.3 (MANE Select); coding-DNA position 257, one base deleted (G; older notation c.257delG).
Protein change: p.Ser86fs; shifts the reading frame from serine 86.
Molecular consequence: frameshift variant.
Genome position (GRCh38, 1-based): chr1:53,202,346, G deleted. VCF-style (leftmost placement, unchanged base first): chr1-53202345-AG-A. GRCh37 (hg19) VCF-style: chr1-53668017-AG-A.
Other names: c.257del, p.Ser86fs (NM_001330589.2); short protein forms S86fs.
Identifiers: ClinVar variation 1959706 (VCV001959706.6), dbSNP rs2525570159, ClinGen allele CA2580063048.

ClinVar aggregate classification (germline): Pathogenic/Likely pathogenic. Review status: criteria provided, multiple submitters, no conflicts (2 of 4 stars). 2 submissions from 2 submitters: Pathogenic (1); Likely pathogenic (1). Last evaluated 2023-03-15.

Conditions:
Encephalopathy, acute, infection-induced, susceptibility to, 4. Identifiers: Orphanet 263524, MedGen C3280160, MONDO:0013633, OMIM 614212.
Carnitine palmitoyltransferase II deficiency. Also called: Carnitine Palmitoyltransferase 2 Deficiency. Identifiers: Orphanet 157, MedGen C0342790, MONDO:0015515.

Submissions (2):

Baylor Genetics
Classification: Likely pathogenic for Encephalopathy, acute, infection-induced, susceptibility to, 4. Last evaluated: 2023-03-15. Review status: criteria provided, single submitter. Criteria: ACMG Guidelines, 2015. Collection method: clinical testing. Allele origin: unknown.

Labcorp Genetics (formerly Invitae), Labcorp
Classification: Pathogenic for Carnitine palmitoyltransferase II deficiency. Last evaluated: 2022-02-28. Review status: criteria provided, single submitter. Criteria: Invitae Variant Classification Sherloc (09022015). Collection method: clinical testing. Allele origin: germline.
Comment: For these reasons, this variant has been classified as Pathogenic. This variant has not been reported in the literature in individuals affected with CPT2-related conditions. This variant is not present in population databases (gnomAD no frequency). This sequence change creates a premature translational stop signal (p.Ser86Ilefs*44) in the CPT2 gene. It is expected to result in an absent or disrupted protein product. Loss-of-function variants in CPT2 are known to be pathogenic (PMID: 16781677, 16996287).

Literature cited by the submitters: PubMed 16781677 (cited by Labcorp Genetics (formerly Invitae), Labcorp); PubMed 16996287 (cited by Labcorp Genetics (formerly Invitae), Labcorp).